The following is an entry in ClinVar:

ClinVar aggregate classification (germline): Conflicting classifications of pathogenicity. Review status: criteria provided, conflicting classifications (1 of 4 stars). 3 submissions from 3 submitters: Likely pathogenic (1); Uncertain significance (1). 1 of the submissions does not count toward it. Last evaluated 2025-09-29.

Conditions:
Neonatal encephalomyopathy-cardiomyopathy-respiratory distress syndrome. Also called: Coenzyme Q10 deficiency, primary, 7. Identifiers: Orphanet 457185, MedGen C5568562, MONDO:0014562, OMIM 616276.

Submissions (3):

GeneDx
Classification: Likely pathogenic. Last evaluated: 2025-09-29. Review status: criteria provided, single submitter. Criteria: GeneDx Variant Classification Process June 2021. Collection method: clinical testing. Allele origin: germline. Affected: yes.
Comment: Not observed at a significant frequency in large population cohorts (gnomAD); In silico analysis supports a deleterious effect on protein structure/function; This variant is associated with the following publications: (PMID: 26185144)

Labcorp Genetics (formerly Invitae), Labcorp
Classification: Uncertain significance for Neonatal encephalomyopathy-cardiomyopathy-respiratory distress syndrome. Last evaluated: 2022-03-18. Review status: criteria provided, single submitter. Criteria: Invitae Variant Classification Sherloc (09022015). Collection method: clinical testing. Allele origin: germline.
Comment: This variant has been observed in individual(s) with coenzyme Q10 deficiency (PMID: 26185144). It has also been observed to segregate with disease in related individuals. This variant is present in population databases (no rsID available, gnomAD 0.1%). This variant, c.197_198delinsAA, is a complex sequence change that results in the change of 1 amino acid(s) in the COQ4 protein (p.Arg66Gln). ClinVar contains an entry for this variant (Variation ID: 267346). In summary, the available evidence is currently insufficient to determine the role of this variant in disease. Therefore, it has been classified as a Variant of Uncertain Significance. Algorithms developed to predict the effect of missense changes on protein structure and function are either unavailable or do not agree on the potential impact of this missense change (SIFT: "Not Available"; PolyPhen-2: "Probably Damaging"; Align-GVGD: "Not Available").

OMIM
Classification: Pathogenic for COENZYME Q10 DEFICIENCY, PRIMARY, 7. Last evaluated: 2016-10-27. Review status: no assertion criteria provided. Collection method: literature only. Allele origin: germline. Not counted in ClinVar's aggregate classification.

Literature cited by the submitters: PubMed 26185144 (cited by Labcorp Genetics (formerly Invitae), Labcorp and OMIM).

NM_016035.5(COQ4):c.197_198delinsAA (p.Arg66Gln)

Gene: COQ4 (coenzyme Q4; plus strand). Cytogenetic location: 9q34.11.
Variant type: Indel.
Coding change: c.197_198delinsAA on transcript NM_016035.5 (MANE Select); coding-DNA positions 197 to 198, GC replaced by AA.
Protein change: p.Arg66Gln; replaces arginine 66 with glutamine.
Molecular consequence: missense variant.
Genome position (GRCh38, 1-based): chr9:128,323,142-128,323,143, GC replaced by AA. VCF-style: chr9-128323142-GC-AA. GRCh37 (hg19) VCF-style: chr9-131085421-GC-AA.
Other names: c.197_198delinsAA, p.Arg66Gln (NM_001305942.2); c.197_198delGCinsAA (NM_016035.3); short protein forms R66Q.
Identifiers: ClinVar variation 267346 (VCV000267346.10), dbSNP rs886040973, ClinGen allele CA10590113.